The following is an entry in ClinVar:

ClinVar aggregate classification (germline): Uncertain significance (1 of 4 stars; one submission).

Conditions:
SPTBN1-related disorder. Also called: SPTBN1-related condition.

gnomAD v4.1: 3 of 1,614,070 alleles (0.00019%); highest among the groups gnomAD compares: Non-Finnish European, 0.00025%; no homozygotes.

Submission:

PreventionGenetics, part of Exact Sciences
Classification: Uncertain significance for SPTBN1-related condition. Last evaluated: 2026-08-21. Review status: criteria provided, single submitter. Criteria: ACMG Guidelines, 2015. Collection method: clinical testing. Allele origin: germline.
Comment: The SPTBN1 c.2458G>C variant is predicted to result in the amino acid substitution p.Val820Leu. To our knowledge, this variant has not been reported in the literature. This variant is reported in 0.00088% of alleles in individuals of European (Non-Finnish) descent in gnomAD. At this time, the clinical significance of this variant is uncertain due to the absence of conclusive functional and genetic evidence.

NM_003128.3(SPTBN1):c.2458G>C (p.Val820Leu)

Gene: SPTBN1 (spectrin beta, non-erythrocytic 1; plus strand). Cytogenetic location: 2p16.2.
Variant type: single nucleotide variant.
Coding change: c.2458G>C on transcript NM_003128.3 (MANE Select); coding-DNA position 2458, G replaced by C.
Protein change: p.Val820Leu; replaces valine 820 with leucine.
Molecular consequence: missense variant.
Genome position (GRCh38, 1-based): chr2:54,629,592, G>C. VCF-style: chr2-54629592-G-C. GRCh37 (hg19) VCF-style: chr2-54856729-G-C.
Other names: c.2419G>C, p.Val807Leu (NM_178313.3); short protein forms V807L, V820L.
Identifiers: ClinVar variation 4982040 (VCV004982040.1).
Genomic context (GRCh38, chr2:54,629,592, plus strand): 5'-CTTGACACGCTGCACGAACAAGCCAGCGCCCTCCCCCAGGAGCATGCCGAGTCTCCAGAC[G>C]TGAGGGGCAGGCTGTCGGGCATCGAGGAGCGGTATAAGGAGGTGGCAGAGCTGACGCGGC-3'
Protein context (NP_003119.2, residues 810-830): LPQEHAESPD[Val820Leu]RGRLSGIEER